The following is an entry in ClinVar:

ClinVar aggregate classification (germline): Uncertain significance (1 of 4 stars; one submission).

Conditions:
Fanconi anemia (FA). Also called: Fanconi's anemia. Identifiers: Orphanet 84, MedGen C0015625, MeSH D005199, MONDO:0019391.

Submission:

Labcorp Genetics (formerly Invitae), Labcorp
Classification: Uncertain significance for Fanconi anemia. Last evaluated: 2025-07-28. Review status: criteria provided, single submitter. Criteria: Invitae Variant Classification Sherloc (09022015). Collection method: clinical testing. Allele origin: germline.
Comment: This sequence change replaces glycine, which is neutral and non-polar, with aspartic acid, which is acidic and polar, at codon 972 of the SLX4 protein (p.Gly972Asp). This variant is not present in population databases (gnomAD no frequency). This variant has not been reported in the literature in individuals affected with SLX4-related conditions. ClinVar contains an entry for this variant (Variation ID: 1425437). An algorithm developed to predict the effect of missense changes on protein structure and function outputs the following: PolyPhen-2: "Benign". The aspartic acid amino acid residue is found in multiple mammalian species, which suggests that this missense change does not adversely affect protein function. In summary, the available evidence is currently insufficient to determine the role of this variant in disease. Therefore, it has been classified as a Variant of Uncertain Significance.

NM_032444.4(SLX4):c.2915G>A (p.Gly972Asp)

Gene: SLX4 (SLX4 structure-specific endonuclease subunit; minus strand). Cytogenetic location: 16p13.3.
Variant type: single nucleotide variant.
Coding change: c.2915G>A on transcript NM_032444.4 (MANE Select); coding-DNA position 2915, G replaced by A.
Protein change: p.Gly972Asp; replaces glycine 972 with aspartic acid.
Molecular consequence: missense variant.
Genome position (GRCh38, 1-based): chr16:3,590,723, C>T on the plus strand (G>A on the coding strand, the complement: SLX4 is on the minus strand). VCF-style: chr16-3590723-C-T. GRCh37 (hg19) VCF-style: chr16-3640724-C-T.
Other names: short protein forms G972D.
Identifiers: ClinVar variation 1425437 (VCV001425437.8), dbSNP rs2151124801, ClinGen allele CA394522493.